The following is an entry in ClinVar:

ClinVar aggregate classification (germline): Benign/Likely benign. Review status: criteria provided, single submitter (1 of 4 stars). 3 submissions from 1 submitter: Benign (2); Likely benign (1). Last evaluated 2018-01-13.

Conditions:
TP63-Related Spectrum Disorders.
Orofacial cleft 8. Also called: Cleft lip with or without cleft palate, nonsyndromic, 8. Identifiers: MedGen C1851878, MONDO:0029145, OMIM 618149.
Ectrodactyly, ectodermal dysplasia, and cleft lip-palate syndrome 3. Also called: Ectrodactyly, Ectodermal Dysplasia, Cleft Lip/Palate Syndrome 3 (EEC3); Ectrodactyly, Ectodermal Dysplasia, Clefting Syndrome; EEC SYNDROME 3; Ectrodactyly, Ectodermal Dysplasia, Clefting Syndrome Type 3 (EEC3). Identifiers: Orphanet 1896, MedGen C1858562, MONDO:0011428, OMIM 604292.

Allele frequency attached by ClinVar (database versions not stated): gnomAD exomes 0.00093; gnomAD 0.00472 and 0.00499; TOPMed 0.00571; 1000 Genomes Project 30x 0.00734; 1000 Genomes Project 0.00759.
gnomAD v4.1: 779 of 208,676 alleles (0.37%); highest among the groups gnomAD compares: African/African-American, 1.5%; 5 homozygotes.

Submissions (3):

Illumina Laboratory Services, Illumina
Classification: Benign for Ectrodactyly, ectodermal dysplasia, and cleft lip-palate syndrome 3. Last evaluated: 2018-01-13. Review status: criteria provided, single submitter. Criteria: ICSL Variant Classification Criteria 13 December 2019. Collection method: clinical testing. Allele origin: germline.
Comment: This variant was observed in the ICSL laboratory as part of a predisposition screen in an ostensibly healthy population. It had not been previously curated by ICSL or reported in the Human Gene Mutation Database (HGMD: prior to June 1st, 2018), and was therefore a candidate for classification through an automated scoring system. Utilizing variant allele frequency, disease prevalence and penetrance estimates, and inheritance mode, an automated score was calculated to assess if this variant is too frequent to cause the disease. Based on the score and internal cut-off values, a variant classified as benign is not then subjected to further curation. The score for this variant resulted in a classification of benign for this disease.

Illumina Laboratory Services, Illumina
Classification: Likely benign for Orofacial cleft 8. Last evaluated: 2018-01-13. Review status: criteria provided, single submitter. Criteria: ICSL Variant Classification Criteria 13 December 2019. Collection method: clinical testing. Allele origin: germline.
Comment: This variant was observed in the ICSL laboratory as part of a predisposition screen in an ostensibly healthy population. It had not been previously curated by ICSL or reported in the Human Gene Mutation Database (HGMD: prior to June 1st, 2018), and was therefore a candidate for classification through an automated scoring system. Utilizing variant allele frequency, disease prevalence and penetrance estimates, and inheritance mode, an automated score was calculated to assess if this variant is too frequent to cause the disease. Based on the score and internal cut-off values, a variant classified as likely benign is not then subjected to further curation. The score for this variant resulted in a classification of likely benign for this disease.

Illumina Laboratory Services, Illumina
Classification: Benign for TP63-Related Spectrum Disorders. Last evaluated: 2018-01-13. Review status: criteria provided, single submitter. Criteria: ICSL Variant Classification Criteria 13 December 2019. Collection method: clinical testing. Allele origin: germline.
Comment: the same text as in the submission from Illumina Laboratory Services, Illumina above.

NM_003722.5(TP63):c.*2016A>G

Gene: TP63 (tumor protein p63; plus strand). Cytogenetic location: 3q28.
Variant type: single nucleotide variant.
Coding change: c.*2016A>G on transcript NM_003722.5 (MANE Select); 2016 bases downstream of the stop codon, A replaced by G.
Molecular consequence: 3 prime UTR variant.
Genome position (GRCh38, 1-based): chr3:189,896,518, A>G. VCF-style: chr3-189896518-A-G. GRCh37 (hg19) VCF-style: chr3-189614307-A-G.
Other names: c.*2297A>G (NM_001114978.2, NM_001114981.2); c.*2016A>G (NM_001114980.2, NM_001329146.2, NM_001329148.2 and 1 more transcripts); c.*2287A>G (NM_001329144.2, NM_001329145.2, NM_001329149.2 and 1 more transcripts).
Identifiers: ClinVar variation 899397 (VCV000899397.5), dbSNP rs115660354, ClinGen allele CA89714414.